The following is an entry in ClinVar:

NM_001939.3(DRP2):c.779T>C (p.Ile260Thr)

Gene: DRP2 (dystrophin related protein 2; plus strand). Cytogenetic location: Xq22.1.
Variant type: single nucleotide variant.
Coding change: c.779T>C on transcript NM_001939.3 (MANE Select); coding-DNA position 779, T replaced by C.
Protein change: p.Ile260Thr; replaces isoleucine 260 with threonine.
Molecular consequence: missense variant.
Genome position (GRCh38, 1-based): chrX:101,241,887, T>C. VCF-style: chrX-101241887-T-C. GRCh37 (hg19) VCF-style: chrX-100496876-T-C.
Other names: c.545T>C, p.Ile182Thr (NM_001171184.2); c.779T>C (NM_001939.2); short protein forms I260T, I182T.
Identifiers: ClinVar variation 2078042 (VCV002078042.5), dbSNP rs143515125, ClinGen allele CA10472131.

ClinVar aggregate classification (germline): Uncertain significance. Review status: criteria provided, multiple submitters, no conflicts (2 of 4 stars). 2 submissions from 2 submitters: Uncertain significance (2). Last evaluated 2025-08-04.

Allele frequency attached by ClinVar (database versions not stated): ESP Exome Variant Server 0.00010; ExAC 0.00005; gnomAD exomes 0.00003; TOPMed 0.00008; gnomAD 0.00006.
gnomAD v4.1: 44 of 1,173,544 alleles (0.0037%); highest among the groups gnomAD compares: African/African-American, 0.009%; no homozygotes.

Submissions (2):

Ambry Genetics
Classification: Uncertain significance. Last evaluated: 2025-08-04. Review status: criteria provided, single submitter. Criteria: Ambry Variant Classification Scheme 2023. Collection method: clinical testing. Allele origin: germline.

Labcorp Genetics (formerly Invitae), Labcorp
Classification: Uncertain significance. Last evaluated: 2023-03-28. Review status: criteria provided, single submitter. Criteria: Invitae Variant Classification Sherloc (09022015). Collection method: clinical testing. Allele origin: germline.
Comment: In summary, the available evidence is currently insufficient to determine the role of this variant in disease. Therefore, it has been classified as a Variant of Uncertain Significance. Advanced modeling of protein sequence and biophysical properties (such as structural, functional, and spatial information, amino acid conservation, physicochemical variation, residue mobility, and thermodynamic stability) performed at Invitae indicates that this missense variant is not expected to disrupt DRP2 protein function. ClinVar contains an entry for this variant (Variation ID: 2078042). This variant has not been reported in the literature in individuals affected with DRP2-related conditions. This variant is present in population databases (rs143515125, gnomAD 0.02%). This sequence change replaces isoleucine, which is neutral and non-polar, with threonine, which is neutral and polar, at codon 260 of the DRP2 protein (p.Ile260Thr).